The following is an entry in ClinVar:

NM_152564.5(VPS13B):c.11158G>T (p.Glu3720Ter)

Gene: VPS13B (vacuolar protein sorting 13 homolog B; plus strand). Cytogenetic location: 8q22.2.
Variant type: single nucleotide variant.
Coding change: c.11158G>T on transcript NM_152564.5 (MANE Select); coding-DNA position 11158, G replaced by T.
Protein change: p.Glu3720Ter; replaces glutamic acid 3720 with a stop codon.
Molecular consequence: nonsense.
Genome position (GRCh38, 1-based): chr8:99,861,889, G>T. VCF-style: chr8-99861889-G-T. GRCh37 (hg19) VCF-style: chr8-100874117-G-T.
Other names: c.11233G>T, p.Glu3745Ter (NM_017890.5); short protein forms E3745*, E3720*.
Identifiers: ClinVar variation 2133602 (VCV002133602.5), dbSNP rs150393340, ClinGen allele CA371790652.

ClinVar aggregate classification (germline): Pathogenic/Likely pathogenic. Review status: criteria provided, multiple submitters, no conflicts (2 of 4 stars). 2 submissions from 2 submitters: Pathogenic (1); Likely pathogenic (1). Last evaluated 2022-05-04.

Conditions:
Cohen syndrome (COH1). Also called: PEPPER SYNDROME; Cutis verticis gyrata, retinitis pigmentosa, and sensorineural deafness. Identifiers: Orphanet 193, MedGen C0265223, MONDO:0008999, OMIM 216550.
VPS13B-related disorder. Also called: VPS13B-related condition.

Submissions (2):

Labcorp Genetics (formerly Invitae), Labcorp
Classification: Pathogenic for Cohen syndrome. Last evaluated: 2022-05-04. Review status: criteria provided, single submitter. Criteria: Invitae Variant Classification Sherloc (09022015). Collection method: clinical testing. Allele origin: germline.
Comment: This sequence change creates a premature translational stop signal (p.Glu3745*) in the VPS13B gene. It is expected to result in an absent or disrupted protein product. Loss-of-function variants in VPS13B are known to be pathogenic (PMID: 15141358, 16648375, 20461111). This variant is not present in population databases (gnomAD no frequency). This variant has not been reported in the literature in individuals affected with VPS13B-related conditions. For these reasons, this variant has been classified as Pathogenic.

Blueprint Genetics
Classification: Likely pathogenic for VPS13B-related disorders. Last evaluated: 2019-09-12. Review status: criteria provided, single submitter. Criteria: ACMG Guidelines, 2015. Collection method: clinical testing. Allele origin: germline. Affected: yes. Observed: 1 variant allele.

Literature cited by the submitters: PubMed 15141358 (cited by Labcorp Genetics (formerly Invitae), Labcorp); PubMed 16648375 (cited by Labcorp Genetics (formerly Invitae), Labcorp); PubMed 20461111 (cited by Labcorp Genetics (formerly Invitae), Labcorp).